The following is an entry in ClinVar:

ClinVar aggregate classification (germline): Pathogenic/Likely pathogenic. Review status: criteria provided, multiple submitters, no conflicts (2 of 4 stars). 4 submissions from 4 submitters: Pathogenic (1); Likely pathogenic (1). 2 of the submissions do not count toward it. Last evaluated 2026-01-02.

Conditions:
ATR-related disorder. Also called: ATR-related condition.
Seckel syndrome 1 (SCKL1). Also called: MICROCEPHALIC PRIMORDIAL DWARFISM I. Identifiers: Orphanet 808, MedGen C4551474, MONDO:0008869, OMIM 210600.

Allele frequency attached by ClinVar (database versions not stated): gnomAD exomes 0.00006; gnomAD 0.00009 and 0.00010; TOPMed 0.00010.
gnomAD v4.1: 15 of 170,540 alleles (0.0088%); highest among the groups gnomAD compares: Non-Finnish European, 0.015%; no homozygotes.

Submissions (4):

Labcorp Genetics (formerly Invitae), Labcorp
Classification: Pathogenic. Last evaluated: 2026-01-02. Review status: criteria provided, single submitter. Criteria: Invitae Variant Classification Sherloc (09022015). Collection method: clinical testing. Allele origin: germline.
Comment: This sequence change falls in intron 40 of the ATR gene. It does not directly change the encoded amino acid sequence of the ATR protein. RNA analysis indicates that this variant induces altered splicing and may result in an absent or altered protein product. This variant is present in population databases (rs587777852, gnomAD 0.007%). This variant has been observed in individuals with Seckel syndrome (PMID: 23144622). ClinVar contains an entry for this variant (Variation ID: 156537). Studies have shown that this variant alters ATR gene expression (PMID: 23144622). Studies have shown that this variant results in activation of a cryptic splice site, and produces a non-functional protein and/or introduces a premature termination codon (PMID: 23144622). For these reasons, this variant has been classified as Pathogenic.

CeGaT Center for Human Genetics Tuebingen
Classification: Likely pathogenic. Last evaluated: 2024-11-01. Review status: criteria provided, single submitter. Criteria: CeGaT Center For Human Genetics Tuebingen Variant Classification Criteria Version 2. Collection method: clinical testing. Allele origin: germline. Affected: yes. Observed: 2 variant alleles.
Comment: ATR: PM3, PS3:Moderate, PM2:Supporting, PP3

PreventionGenetics, part of Exact Sciences
Classification: Likely pathogenic for ATR-related condition. Last evaluated: 2024-06-02. Review status: no assertion criteria provided. Collection method: clinical testing. Allele origin: germline. Not counted in ClinVar's aggregate classification.
Comment: The ATR c.6897+464C>G variant is predicted to interfere with splicing. This variant has been reported with a second ATR variant in two individuals with Seckel syndrome (Ogi et al. 2012. PubMed ID: 23144622). RT-PCR studies suggest this variant impacts mRNA splicing (Ogi et al. 2012. PubMed ID: 23144622). This variant is reported in 0.013% of alleles in individuals of European (non-Finnish) descent in gnomAD and is reported as pathogenic/likely pathogenic in ClinVar. We interpret this variant as likely pathogenic.

OMIM
Classification: Pathogenic for SECKEL SYNDROME 1. Last evaluated: 2012-01-01. Review status: no assertion criteria provided. Collection method: literature only. Allele origin: germline. Not counted in ClinVar's aggregate classification.

Literature cited by the submitters: PubMed 23144622 (cited by Labcorp Genetics (formerly Invitae), Labcorp and OMIM).

NM_001184.4(ATR):c.6897+464C>G

Gene: ATR (ATR checkpoint kinase; minus strand). Cytogenetic location: 3q23.
Variant type: single nucleotide variant.
Coding change: c.6897+464C>G on transcript NM_001184.4 (MANE Select); 464 bases into the intron after coding-DNA position 6897, C replaced by G.
Molecular consequence: intron variant.
Genome position (GRCh38, 1-based): chr3:142,465,860, G>C on the plus strand (C>G on the coding strand, the complement: ATR is on the minus strand). VCF-style: chr3-142465860-G-C. GRCh37 (hg19) VCF-style: chr3-142184702-G-C.
Other names: IVS40, C-G, +464; c.6705+464C>G (NM_001354579.2).
Identifiers: ClinVar variation 156537 (VCV000156537.28), dbSNP rs587777852, ClinGen allele CA345957.
Genomic context (GRCh38, chr3:142,465,860, plus strand): 5'-TTCAAGACTAGCCTGGGCAACATGACGAAACCCCGTATCTACAAAAAATTTAAAAAATTA[G>C]CTGGGCATGGTGACATGCACCTGTAGTCCCAGCTACTCAGGAGGCTGAGGTGAGCAAATT-3'